The following is an entry in ClinVar:

ClinVar aggregate classification (germline): Uncertain significance (1 of 4 stars; one submission).

Submission:

GeneDx
Classification: Uncertain significance. Last evaluated: 2023-06-30. Review status: criteria provided, single submitter. Criteria: GeneDx Variant Classification Process June 2021. Collection method: clinical testing. Allele origin: germline. Affected: yes.
Comment: Not observed at significant frequency in large population cohorts (gnomAD); In silico analysis supports that this missense variant does not alter protein structure/function; Has not been previously published as pathogenic or benign to our knowledge

NM_014208.3(DSPP):c.821G>T (p.Ser274Ile)

Genes: DMP1-AS1 (DMP1 and DSPP antisense RNA 1; minus strand), DSPP (dentin sialophosphoprotein; plus strand). Cytogenetic location: 4q22.1.
Variant type: single nucleotide variant.
Coding change: c.821G>T on transcript NM_014208.3 (MANE Select); coding-DNA position 821, G replaced by T.
Protein change: p.Ser274Ile; replaces serine 274 with isoleucine.
Molecular consequence: missense variant.
Genome position (GRCh38, 1-based): chr4:87,613,007, G>T. VCF-style: chr4-87613007-G-T. GRCh37 (hg19) VCF-style: chr4-88534159-G-T.
Other names: short protein forms S274I.
Identifiers: ClinVar variation 3360404 (VCV003360404.1).